The following is an entry in ClinVar:

ClinVar aggregate classification (germline): Uncertain significance (1 of 4 stars; one submission).

Conditions:
Arrhythmogenic right ventricular dysplasia 8 (ARVD8). Also called: Arrhythmogenic Right Ventricular Dysplasia/Cardiomyopathy 8; ARRHYTHMOGENIC RIGHT VENTRICULAR DYSPLASIA, FAMILIAL, 8; ARRHYTHMOGENIC RIGHT VENTRICULAR CARDIOMYOPATHY 8. Identifiers: MedGen C1843896, MONDO:0011831, OMIM 607450.
Arrhythmogenic cardiomyopathy with wooly hair and keratoderma. Also called: Arrhythmogenic cardiomyopathy with woolly hair and keratoderma; PALMOPLANTAR KERATODERMA WITH LEFT VENTRICULAR CARDIOMYOPATHY AND WOOLLY HAIR; Carvajal syndrome; Dilated cardiomyopathy with woolly hair and keratoderma. Identifiers: Orphanet 65282, MedGen C1854063, MONDO:0011581, OMIM 605676.

gnomAD v4.1: 3 of 1,614,016 alleles (0.00019%); highest among the groups gnomAD compares: Non-Finnish European, 0.00025%; no homozygotes.

Submission:

Labcorp Genetics (formerly Invitae), Labcorp
Classification: Uncertain significance for Arrhythmogenic cardiomyopathy with wooly hair and keratoderma; Arrhythmogenic right ventricular dysplasia 8. Last evaluated: 2025-02-09. Review status: criteria provided, single submitter. Criteria: Invitae Variant Classification Sherloc (09022015). Collection method: clinical testing. Allele origin: germline.
Comment: This sequence change replaces methionine, which is neutral and non-polar, with leucine, which is neutral and non-polar, at codon 783 of the DSP protein (p.Met783Leu). This variant is not present in population databases (gnomAD no frequency). This variant has not been reported in the literature in individuals affected with DSP-related conditions. An algorithm developed to predict the effect of missense changes on protein structure and function (PolyPhen-2) suggests that this variant is likely to be tolerated. In summary, the available evidence is currently insufficient to determine the role of this variant in disease. Therefore, it has been classified as a Variant of Uncertain Significance.

NM_004415.4(DSP):c.2347A>T (p.Met783Leu)

Gene: DSP (desmoplakin; plus strand). Cytogenetic location: 6p24.3.
Variant type: single nucleotide variant.
Coding change: c.2347A>T on transcript NM_004415.4 (MANE Select); coding-DNA position 2347, A replaced by T.
Protein change: p.Met783Leu; replaces methionine 783 with leucine.
Molecular consequence: missense variant.
Genome position (GRCh38, 1-based): chr6:7,574,706, A>T. VCF-style: chr6-7574706-A-T. GRCh37 (hg19) VCF-style: chr6-7574939-A-T.
Other names: c.2347A>T, p.Met783Leu (NM_001008844.3, NM_001319034.2); short protein forms M783L.
Identifiers: ClinVar variation 4788100 (VCV004788100.1).